The following is an entry in ClinVar:

ClinVar aggregate classification (germline): Likely benign (0 of 4 stars; one submission).

Conditions:
ACP4-related disorder. Also called: ACP4-related condition.

Allele frequency attached by ClinVar (database versions not stated): gnomAD 0.00003; TOPMed 0.00008; gnomAD exomes 0.00009; ExAC 0.00022.

Submission:

PreventionGenetics, part of Exact Sciences
Classification: Likely benign for ACP4-related condition. Last evaluated: 2019-06-10. Review status: no assertion criteria provided. Collection method: clinical testing. Allele origin: germline.
Comment: This variant is classified as likely benign based on ACMG/AMP sequence variant interpretation guidelines (Richards et al. 2015 PMID: 25741868, with internal and published modifications).

NM_033068.3(ACP4):c.465C>T (p.Pro155=)

Gene: ACP4 (acid phosphatase 4; plus strand). Cytogenetic location: 19q13.33.
Variant type: single nucleotide variant.
Coding change: c.465C>T on transcript NM_033068.3 (MANE Select); coding-DNA position 465, C replaced by T.
Protein change: p.Pro155=; no amino-acid change (proline 155 retained).
Molecular consequence: synonymous variant.
Genome position (GRCh38, 1-based): chr19:50,792,087, C>T. VCF-style: chr19-50792087-C-T. GRCh37 (hg19) VCF-style: chr19-51295344-C-T.
Identifiers: ClinVar variation 3044610 (VCV003044610.2), dbSNP rs777100668, ClinGen allele CA9602996.
Genomic context (GRCh38, chr19:50,792,087, plus strand): 5'-AAGGCAAGGCACACGGCTGTCCTCTCTGAGACTCAGTTTTCCCCAGCTGCTGAGGTTCCC[C>T]ATGCGCAGCTGTCCCCGATACCACGAGCTGCTGCGGGAGGCCACCGAGGCCGCCGAGTAC-3'
Protein context (NP_149059.1, residues 145-165): PVAEDKLLRF[Pro155=]MRSCPRYHEL